The following is an entry in ClinVar:

NM_012281.3(KCND2):c.1873G>A (p.Val625Ile)

Gene: KCND2 (potassium voltage-gated channel subfamily D member 2; plus strand). Cytogenetic location: 7q31.31.
Variant type: single nucleotide variant.
Coding change: c.1873G>A on transcript NM_012281.3 (MANE Select); coding-DNA position 1873, G replaced by A.
Protein change: p.Val625Ile; replaces valine 625 with isoleucine.
Molecular consequence: missense variant.
Genome position (GRCh38, 1-based): chr7:120,747,838, G>A. VCF-style: chr7-120747838-G-A. GRCh37 (hg19) VCF-style: chr7-120387892-G-A.
Other names: short protein forms V625I.
Identifiers: ClinVar variation 2420005 (VCV002420005.6), dbSNP rs757426235, ClinGen allele CA369136834.

ClinVar aggregate classification (germline): Uncertain significance (1 of 4 stars; one submission).

Conditions:
Early Myoclonic Encephalopathy. Identifiers: MedGen C0270855.

gnomAD v4.1: 10 of 1,611,840 alleles (0.00062%); highest among the groups gnomAD compares: East Asian, 0.0022%; no homozygotes.

Submission:

Labcorp Genetics (formerly Invitae), Labcorp
Classification: Uncertain significance for Early Myoclonic Encephalopathy. Last evaluated: 2022-09-24. Review status: criteria provided, single submitter. Criteria: Invitae Variant Classification Sherloc (09022015). Collection method: clinical testing. Allele origin: germline.
Comment: This variant has not been reported in the literature in individuals affected with KCND2-related conditions. Advanced modeling of protein sequence and biophysical properties (such as structural, functional, and spatial information, amino acid conservation, physicochemical variation, residue mobility, and thermodynamic stability) performed at Invitae indicates that this missense variant is not expected to disrupt KCND2 protein function. In summary, the available evidence is currently insufficient to determine the role of this variant in disease. Therefore, it has been classified as a Variant of Uncertain Significance. This variant is present in population databases (no rsID available, gnomAD 0.002%). This sequence change replaces valine, which is neutral and non-polar, with isoleucine, which is neutral and non-polar, at codon 625 of the KCND2 protein (p.Val625Ile).